The following is an entry in ClinVar:

NM_024312.5(GNPTAB):c.1114-2A>G

Gene: GNPTAB (N-acetylglucosamine-1-phosphate transferase subunits alpha and beta; minus strand). Cytogenetic location: 12q23.2.
Variant type: single nucleotide variant.
Coding change: c.1114-2A>G on transcript NM_024312.5 (MANE Select); the canonical splice acceptor site of the intron before coding-DNA position 1114, A replaced by G.
Molecular consequence: splice acceptor variant.
Genome position (GRCh38, 1-based): chr12:101,770,193, T>C on the plus strand (A>G on the coding strand, the complement: GNPTAB is on the minus strand). VCF-style: chr12-101770193-T-C. GRCh37 (hg19) VCF-style: chr12-102163971-T-C.
Identifiers: ClinVar variation 1480404 (VCV001480404.6), dbSNP rs2137123738, ClinGen allele CA386302901.
Genomic context (GRCh38, chr12:101,770,193, plus strand): 5'-TGACTTTCAATAGCAGGTGAACTAAAGGTAGGCAAGTGGCTCAAATTTCGAAAAACATCC[T>C]TTTAACAACAACAAACAAAAAAAGAGAGTGAATGAGAGCTGTTTGGGTTTGGTTTAGTTT-3'

ClinVar aggregate classification (germline): Likely pathogenic (1 of 4 stars; one submission).

Conditions:
Pseudo-Hurler polydystrophy. Also called: ML III; ML III ALPHA/BETA; Type III Mucolipidosis; ML IIIA; Mucolipidosis III Alpha/Beta; MUCOLIPIDOSIS IIIA. Identifiers: Orphanet 423461, Orphanet 577, MedGen C0033788, MONDO:0018931, OMIM 252600.
Mucolipidosis type II. Also called: ML II ALPHA/BETA; Mucolipidosis 2; ML 2; Inclusion cell disease; Leroy Disease; N-acetylglucosamine 1phosphotransferase deficiency. Identifiers: Orphanet 576, MedGen C2673377, MONDO:0009650, OMIM 252500.

Submission:

Labcorp Genetics (formerly Invitae), Labcorp
Classification: Likely pathogenic for Pseudo-Hurler polydystrophy; Mucolipidosis type II. Last evaluated: 2021-07-21. Review status: criteria provided, single submitter. Criteria: Invitae Variant Classification Sherloc (09022015). Collection method: clinical testing. Allele origin: germline.
Comment: This sequence change affects an acceptor splice site in intron 9 of the GNPTAB gene. It is expected to disrupt RNA splicing. Variants that disrupt the donor or acceptor splice site typically lead to a loss of protein function (PMID: 16199547), and loss-of-function variants in GNPTAB are known to be pathogenic (PMID: 19617216, 25107912). This variant is not present in population databases (ExAC no frequency). This variant has not been reported in the literature in individuals affected with GNPTAB-related conditions. Algorithms developed to predict the effect of sequence changes on RNA splicing suggest that this variant may disrupt the consensus splice site. In summary, the currently available evidence indicates that the variant is pathogenic, but additional data are needed to prove that conclusively. Therefore, this variant has been classified as Likely Pathogenic.

Literature cited by the submitters: PubMed 16199547; PubMed 19617216; PubMed 25107912.